The following is an entry in ClinVar:

ClinVar aggregate classification (germline): Uncertain significance (1 of 4 stars; one submission).

Submission:

Ambry Genetics
Classification: Uncertain significance. Last evaluated: 2024-05-25. Review status: criteria provided, single submitter. Criteria: Ambry Variant Classification Scheme 2023. Collection method: clinical testing. Allele origin: germline.
Comment: The p.D1997G variant (also known as c.5990A>G), located in coding exon 19 of the POLQ gene, results from an A to G substitution at nucleotide position 5990. The aspartic acid at codon 1997 is replaced by glycine, an amino acid with similar properties. This amino acid position is conserved. In addition, the in silico prediction for this alteration is inconclusive. Based on the available evidence, the clinical significance of this variant remains unclear.

NM_199420.4(POLQ):c.5990A>G (p.Asp1997Gly)

Gene: POLQ (DNA polymerase theta; minus strand). Cytogenetic location: 3q13.33.
Variant type: single nucleotide variant.
Coding change: c.5990A>G on transcript NM_199420.4 (MANE Select); coding-DNA position 5990, A replaced by G.
Protein change: p.Asp1997Gly; replaces aspartic acid 1997 with glycine.
Molecular consequence: missense variant.
Genome position (GRCh38, 1-based): chr3:121,481,793, T>C on the plus strand (A>G on the coding strand, the complement: POLQ is on the minus strand). VCF-style: chr3-121481793-T-C. GRCh37 (hg19) VCF-style: chr3-121200640-T-C.
Other names: short protein forms D1997G.
Identifiers: ClinVar variation 3308539 (VCV003308539.1).